The following is an entry in ClinVar:

NM_000426.4(LAMA2):c.872del (p.Gly291fs)

Gene: LAMA2 (laminin subunit alpha 2; plus strand). Cytogenetic location: 6q22.33.
Variant type: Deletion.
Coding change: c.872del on transcript NM_000426.4 (MANE Select); coding-DNA position 872, one base deleted (G; older notation c.872delG).
Protein change: p.Gly291fs; shifts the reading frame from glycine 291.
Molecular consequence: frameshift variant.
Genome position (GRCh38, 1-based): chr6:129,147,011, G deleted; the last of 2 consecutive G bases (chr6:129,147,010-129,147,011); deleting either gives the same sequence. VCF-style (leftmost placement, unchanged base first): chr6-129147009-TG-T. GRCh37 (hg19) VCF-style: chr6-129468154-TG-T.
Other names: c.872del, p.Gly291fs (NM_001079823.2); short protein forms G291fs.
Identifiers: ClinVar variation 1363194 (VCV001363194.7), dbSNP rs1222620175, ClinGen allele CA570043736.
Genomic context (GRCh38, chr6:129,147,009, plus strand): 5'-CTTTTTGCAGTATTACTACTCGGTCAAGGATATTTCAGTTGGAGGGATGTGCATCTGCTA[TG>T]GTCATGCCAGGGCTTGTCCACTTGATCCAGCGACAAATGTATGTATATTTATAGGATGCT-3'

ClinVar aggregate classification (germline): Pathogenic/Likely pathogenic. Review status: criteria provided, multiple submitters, no conflicts (2 of 4 stars). 3 submissions from 3 submitters: Pathogenic (2); Likely pathogenic (1). Last evaluated 2023-11-18.

Conditions:
LAMA2-related muscular dystrophy (LAMA2-RD). Also called: Laminin alpha 2-related dystrophy. Identifiers: MedGen C5679788, MONDO:0100228.
Muscular dystrophy, limb-girdle, autosomal recessive 23. Identifiers: Orphanet 565837, MedGen C4748327, MONDO:0029136, OMIM 618138.
Merosin deficient congenital muscular dystrophy (MDC1A). Also called: Congenital merosin-deficient muscular dystrophy 1A; Congenital Muscular Dystrophy Type 1A (MDC1A). Identifiers: Orphanet 258, MedGen C1263858, MONDO:0011925, OMIM 607855.

Submissions (3):

Labcorp Genetics (formerly Invitae), Labcorp
Classification: Pathogenic for LAMA2-related muscular dystrophy. Last evaluated: 2023-11-18. Review status: criteria provided, single submitter. Criteria: Invitae Variant Classification Sherloc (09022015). Collection method: clinical testing. Allele origin: germline.
Comment: This sequence change creates a premature translational stop signal (p.Gly291Valfs*46) in the LAMA2 gene. It is expected to result in an absent or disrupted protein product. Loss-of-function variants in LAMA2 are known to be pathogenic (PMID: 18700894, 32904964). This variant is present in population databases (no rsID available, gnomAD 0.01%). This variant has not been reported in the literature in individuals affected with LAMA2-related conditions. ClinVar contains an entry for this variant (Variation ID: 1363194). For these reasons, this variant has been classified as Pathogenic.

Baylor Genetics
Classification: Likely pathogenic for Merosin deficient congenital muscular dystrophy. Last evaluated: 2023-08-29. Review status: criteria provided, single submitter. Criteria: ACMG Guidelines, 2015. Collection method: clinical testing. Allele origin: unknown.

Laboratorio de Genetica e Diagnostico Molecular, Hospital Israelita Albert Einstein
Classification: Pathogenic for Muscular dystrophy, limb-girdle, autosomal recessive 23. Last evaluated: 2023-01-05. Review status: criteria provided, single submitter. Criteria: ACMG Guidelines, 2015. Collection method: clinical testing. Allele origin: germline. Affected: yes. Observed: 1 variant allele.
Comment: ACMG classification criteria: PVS1 very strong, PM2 supporting, PM3 supporting, PP4

Literature cited by the submitters: PubMed 18700894 (cited by Labcorp Genetics (formerly Invitae), Labcorp); PubMed 32904964 (cited by Labcorp Genetics (formerly Invitae), Labcorp).